The following is an entry in ClinVar:

NM_001105206.3(LAMA4):c.832T>C (p.Trp278Arg)

Gene: LAMA4 (laminin subunit alpha 4; minus strand). Cytogenetic location: 6q21.
Variant type: single nucleotide variant.
Coding change: c.832T>C on transcript NM_001105206.3 (MANE Select); coding-DNA position 832, T replaced by C.
Protein change: p.Trp278Arg; replaces tryptophan 278 with arginine.
Molecular consequence: missense variant.
Genome position (GRCh38, 1-based): chr6:112,187,584, A>G on the plus strand (T>C on the coding strand, the complement: LAMA4 is on the minus strand). VCF-style: chr6-112187584-A-G. GRCh37 (hg19) VCF-style: chr6-112508786-A-G.
Other names: c.811T>C (LRG_433t2); c.811T>C, p.Trp271Arg (NM_001105207.3, NM_002290.5); short protein forms W271R, W278R.
Identifiers: ClinVar variation 191691 (VCV000191691.2), dbSNP rs201486893, ClinGen allele CA237278.

ClinVar aggregate classification (germline): Uncertain significance. Review status: criteria provided, single submitter (1 of 4 stars). 2 submissions from 2 submitters: Uncertain significance (1). 1 of the submissions does not count toward it. Last evaluated 2013-06-24.

Allele frequency attached by ClinVar (database versions not stated): gnomAD 0.00001; gnomAD exomes 0.00001 and below 0.00001; TOPMed below 0.00001; ExAC 0.00001.
gnomAD v4.1: 4 of 1,613,966 alleles (0.00025%); no homozygotes.

Submissions (2):

Biesecker Lab/Clinical Genomics Section, National Institutes of Health
Classification: Uncertain significance. Last evaluated: 2013-06-24. Review status: criteria provided, single submitter. Criteria: Ng et al. (Circ Cardiovasc Genet. 2013). Collection method: research. Allele origin: unknown. Observed: 1 variant allele. Study: ClinSeq.
Comment: The study set was not selected for affection status in relation to any cancer. Pathogenicity categories were based on literature curation. See Pubmed ID:23861362 for details.

Medical sequencing

Department of Pathology and Laboratory Medicine, Sinai Health System
Classification: Uncertain significance. Review status: no assertion criteria provided. Collection method: clinical testing. Allele origin: unknown. Affected: yes. Study: The Canadian Open Genetics Repository (COGR). Not counted in ClinVar's aggregate classification.
Comment: The LAMA4 p.Trp271Arg variant was not identified in the literature but was identified in dbSNP (ID: rs201486893) and ClinVar (classified as uncertain significance by Biesecker Lab/Clinical Genomics Section National Institutes of Health). The variant was identified in control databases in 3 of 250760 chromosomes at a frequency of 0.00001196 (Genome Aggregation Database March 6, 2019, v2.1.1). The variant was observed in the following populations: Ashkenazi Jewish in 2 of 10062 chromosomes (freq: 0.000199) and Other in 1 of 6114 chromosomes (freq: 0.000164), but was not observed in the African, Latino, East Asian, European (Finnish), European (non-Finnish), or South Asian populations. The p.Trp271 residue is conserved in mammals and computational analyses (PolyPhen-2, SIFT, AlignGVGD, BLOSUM, MutationTaster) provide inconsistent predictions regarding the impact to the protein; this information is not very predictive of pathogenicity. The variant occurs outside of the splicing consensus sequence and in silico or computational prediction software programs (SpliceSiteFinder, MaxEntScan, NNSPLICE, GeneSplicer) do not predict a difference in splicing. In summary, based on the above information the clinical significance of this variant cannot be determined with certainty at this time. This variant is classified as a variant of uncertain significance.